The following is an entry in ClinVar:

NM_020297.4(ABCC9):c.3571G>A (p.Glu1191Lys)

Genes: ABCC9 (ATP binding cassette subfamily C member 9; minus strand), KCNJ8-AS1 (KCNJ8 antisense RNA 1; plus strand). Cytogenetic location: 12p12.1.
Variant type: single nucleotide variant.
Coding change: c.3571G>A on transcript NM_020297.4 (MANE Select); coding-DNA position 3571, G replaced by A.
Protein change: p.Glu1191Lys; replaces glutamic acid 1191 with lysine.
Molecular consequence: missense variant.
Genome position (GRCh38, 1-based): chr12:21,829,056, C>T on the plus strand (G>A on the coding strand, the complement: ABCC9 is on the minus strand). VCF-style: chr12-21829056-C-T. GRCh37 (hg19) VCF-style: chr12-21981990-C-T.
Other names: c.3571G>A, p.Glu1191Lys (NM_001377273.1, NM_005691.4); c.2704G>A, p.Glu902Lys (NM_001377274.1); short protein forms E1191K, E902K.
Identifiers: ClinVar variation 1368437 (VCV001368437.8), dbSNP rs2137272930, ClinGen allele CA384140369.

ClinVar aggregate classification (germline): Uncertain significance (1 of 4 stars; one submission).

Conditions:
Dilated cardiomyopathy 1O (CMD1O). Also called: CARDIOMYOPATHY, DILATED, WITH VENTRICULAR TACHYCARDIA. Identifiers: Orphanet 154, MedGen C1837839, MONDO:0012062, OMIM 608569.

Allele frequency attached by ClinVar (database versions not stated): gnomAD exomes below 0.00001.
gnomAD v4.1: 1 of 1,613,674 alleles (0.000062%); highest among the groups gnomAD compares: Non-Finnish European, 0.000085%; no homozygotes.

Submission:

Labcorp Genetics (formerly Invitae), Labcorp
Classification: Uncertain significance for Dilated cardiomyopathy 1O. Last evaluated: 2022-02-06. Review status: criteria provided, single submitter. Criteria: Invitae Variant Classification Sherloc (09022015). Collection method: clinical testing. Allele origin: germline.
Comment: In summary, the available evidence is currently insufficient to determine the role of this variant in disease. Therefore, it has been classified as a Variant of Uncertain Significance. Algorithms developed to predict the effect of missense changes on protein structure and function are either unavailable or do not agree on the potential impact of this missense change (SIFT: "Tolerated"; PolyPhen-2: "Probably Damaging"; Align-GVGD: "Class C0"). This variant has not been reported in the literature in individuals affected with ABCC9-related conditions. This variant is not present in population databases (gnomAD no frequency). This sequence change replaces glutamic acid, which is acidic and polar, with lysine, which is basic and polar, at codon 1191 of the ABCC9 protein (p.Glu1191Lys).